The following is an entry in ClinVar:

NM_006231.4(POLE):c.1114G>T (p.Val372Leu)

Gene: POLE (DNA polymerase epsilon, catalytic subunit; minus strand). Cytogenetic location: 12q24.33.
Variant type: single nucleotide variant.
Coding change: c.1114G>T on transcript NM_006231.4 (MANE Select); coding-DNA position 1114, G replaced by T.
Protein change: p.Val372Leu; replaces valine 372 with leucine.
Molecular consequence: missense variant.
Genome position (GRCh38, 1-based): chr12:132,675,510, C>A on the plus strand (G>T on the coding strand, the complement: POLE is on the minus strand). VCF-style: chr12-132675510-C-A. GRCh37 (hg19) VCF-style: chr12-133252096-C-A.
Other names: short protein forms V372L.
Identifiers: ClinVar variation 1795988 (VCV001795988.5), dbSNP rs901814901, ClinGen allele CA387361198.

ClinVar aggregate classification (germline): Conflicting classifications of pathogenicity. Review status: criteria provided, conflicting classifications (1 of 4 stars). 2 submissions from 2 submitters: Uncertain significance (1); Likely benign (1). Last evaluated 2026-02-06.

Conditions:
Hereditary cancer-predisposing syndrome. Also called: Tumor predisposition; Hereditary Cancer Syndrome; Hereditary neoplastic syndrome; Neoplastic Syndromes, Hereditary. Identifiers: Orphanet 140162, MedGen C0027672, MeSH D009386, MONDO:0015356.

Submissions (2):

Ambry Genetics
Classification: Likely benign for Hereditary cancer-predisposing syndrome. Last evaluated: 2026-02-06. Review status: criteria provided, single submitter. Criteria: Ambry Variant Classification Scheme 2023. Collection method: clinical testing. Allele origin: germline.

Labcorp Genetics (formerly Invitae), Labcorp
Classification: Uncertain significance. Last evaluated: 2024-05-23. Review status: criteria provided, single submitter. Criteria: Invitae Variant Classification Sherloc (09022015). Collection method: clinical testing. Allele origin: germline.
Comment: This sequence change replaces valine, which is neutral and non-polar, with leucine, which is neutral and non-polar, at codon 372 of the POLE protein (p.Val372Leu). This variant is not present in population databases (gnomAD no frequency). This variant has not been reported in the literature in individuals affected with POLE-related conditions. ClinVar contains an entry for this variant (Variation ID: 1795988). Advanced modeling of protein sequence and biophysical properties (such as structural, functional, and spatial information, amino acid conservation, physicochemical variation, residue mobility, and thermodynamic stability) performed at Invitae indicates that this missense variant is not expected to disrupt POLE protein function with a negative predictive value of 80%. In summary, the available evidence is currently insufficient to determine the role of this variant in disease. Therefore, it has been classified as a Variant of Uncertain Significance.